The following is an entry in ClinVar:

NM_000138.5(FBN1):c.5650G>A (p.Asp1884Asn)

Gene: FBN1 (fibrillin 1; minus strand). Cytogenetic location: 15q21.1.
Variant type: single nucleotide variant.
Coding change: c.5650G>A on transcript NM_000138.5 (MANE Select); coding-DNA position 5650, G replaced by A.
Protein change: p.Asp1884Asn; replaces aspartic acid 1884 with asparagine.
Molecular consequence: missense variant.
Genome position (GRCh38, 1-based): chr15:48,448,789, C>T on the plus strand (G>A on the coding strand, the complement: FBN1 is on the minus strand). VCF-style: chr15-48448789-C-T. GRCh37 (hg19) VCF-style: chr15-48740986-C-T.
Other names: c.5650G>A, p.Asp1884Asn (NM_001406716.1); short protein forms D1884N.
Identifiers: ClinVar variation 3761461 (VCV003761461.3).
Genomic context (GRCh38, chr15:48,448,789, plus strand): 5'-AACAGCATATGAAAAAAATAATAATAATTGCATACTTACCCAAGCACATGGTTTGGTCAT[C>T]ATTTGTTTTAAAACCAGTGTGGCAAAGGCAATAAAAGCTTCCAACTGTGTCAATGCACTG-3'
Protein context (NP_000129.3, residues 1874-1894): CLCHTGFKTN[Asp1884Asn]DQTMCLDINE

ClinVar aggregate classification (germline): Uncertain significance. Review status: criteria provided, multiple submitters, no conflicts (2 of 4 stars). 2 submissions from 2 submitters: Uncertain significance (2). Last evaluated 2025-07-07.

Conditions:
Familial thoracic aortic aneurysm and aortic dissection (TAAD). Also called: Thoracic aortic aneurysms and dissections. Identifiers: Orphanet 91387, MedGen C4707243, MONDO:0019625.
Marfan syndrome (MFS). Also called: MARFAN SYNDROME, TYPE I; Marfan syndrome type 1; Marfan's syndrome; Marfan syndrome, classic; FBN1-Related Marfan Syndrome. Identifiers: Orphanet 284963, Orphanet 558, MedGen C0024796, MONDO:0007947, OMIM 154700.

Submissions (2):

Color Diagnostics, LLC DBA Color Health
Classification: Uncertain significance for Familial thoracic aortic aneurysm and aortic dissection. Last evaluated: 2025-07-07. Review status: criteria provided, single submitter. Criteria: ACMG Guidelines, 2015. Collection method: clinical testing. Allele origin: germline.
Comment: This missense variant replaces aspartic acid with asparagine at codon 1884 of the FBN1 protein. Computational prediction suggests that this variant may not impact protein structure and function. To our knowledge, functional studies have not been reported for this variant. This variant has not been reported in individuals affected with FBN1-related disorders in the literature. This variant has not been identified in the general population by the Genome Aggregation Database (gnomAD). The available evidence is insufficient to determine the role of this variant in disease conclusively. Therefore, this variant is classified as a Variant of Uncertain Significance.

Labcorp Genetics (formerly Invitae), Labcorp
Classification: Uncertain significance for Marfan syndrome; Familial thoracic aortic aneurysm and aortic dissection. Last evaluated: 2024-05-22. Review status: criteria provided, single submitter. Criteria: Invitae Variant Classification Sherloc (09022015). Collection method: clinical testing. Allele origin: germline.
Comment: This sequence change replaces aspartic acid, which is acidic and polar, with asparagine, which is neutral and polar, at codon 1884 of the FBN1 protein (p.Asp1884Asn). This variant is not present in population databases (gnomAD no frequency). This variant has not been reported in the literature in individuals affected with FBN1-related conditions. Advanced modeling of protein sequence and biophysical properties (such as structural, functional, and spatial information, amino acid conservation, physicochemical variation, residue mobility, and thermodynamic stability) performed at Invitae indicates that this missense variant is not expected to disrupt FBN1 protein function with a negative predictive value of 95%. In summary, the available evidence is currently insufficient to determine the role of this variant in disease. Therefore, it has been classified as a Variant of Uncertain Significance.